The following is an entry in ClinVar:

NM_002386.4(MC1R):c.583T>G (p.Phe195Val)

Gene: MC1R (melanocortin 1 receptor; plus strand). Cytogenetic location: 16q24.3.
Variant type: single nucleotide variant.
Coding change: c.583T>G on transcript NM_002386.4 (MANE Select); coding-DNA position 583, T replaced by G.
Protein change: p.Phe195Val; replaces phenylalanine 195 with valine.
Molecular consequence: missense variant.
Genome position (GRCh38, 1-based): chr16:89,919,841, T>G. VCF-style: chr16-89919841-T-G. GRCh37 (hg19) VCF-style: chr16-89986249-T-G.
Other names: short protein forms F195V.
Identifiers: ClinVar variation 239157 (VCV000239157.7), dbSNP rs377580634, ClinGen allele CA8255671.

ClinVar aggregate classification (germline): Uncertain significance. Review status: criteria provided, multiple submitters, no conflicts (2 of 4 stars). 2 submissions from 2 submitters: Uncertain significance (2). Last evaluated 2022-08-16.

Conditions:
Increased analgesia from kappa-opioid receptor agonist, female-specific. Identifiers: MedGen C2751296, OMIM 613098.
Tyrosinase-positive oculocutaneous albinism (OCA2). Also called: ALBINISM II; Oculocutaneous albinism type 2; Albinism, oculocutaneous, type II. Identifiers: Orphanet 79432, MedGen C0268495, MONDO:0008746, OMIM 203200.
SKIN/HAIR/EYE PIGMENTATION, VARIATION IN, 2 (SHEP2). Also called: BLOND HAIR/FAIR SKIN; RED HAIR COLOR; HAIR COLOR 2. Identifiers: MedGen C1849452, OMIM 266300.
Melanoma, cutaneous malignant, susceptibility to, 5. Also called: Cutaneous malignant melanoma 5. Identifiers: Orphanet 618, MedGen C2751295, MONDO:0013133, OMIM 613099.

Allele frequency attached by ClinVar (database versions not stated): gnomAD exomes below 0.00001 and 0.00005; ExAC 0.00001; gnomAD 0.00002; TOPMed 0.00002; ESP Exome Variant Server 0.00008.
gnomAD v4.1: 71 of 1,606,550 alleles (0.0044%); highest among the groups gnomAD compares: South Asian, 0.0055%; no homozygotes.

Submissions (2):

Labcorp Genetics (formerly Invitae), Labcorp
Classification: Uncertain significance for Melanoma, cutaneous malignant, susceptibility to, 5. Last evaluated: 2022-08-16. Review status: criteria provided, single submitter. Criteria: Invitae Variant Classification Sherloc (09022015). Collection method: clinical testing. Allele origin: germline.
Comment: In summary, the available evidence is currently insufficient to determine the role of this variant in disease. Therefore, it has been classified as a Variant of Uncertain Significance. Algorithms developed to predict the effect of missense changes on protein structure and function are either unavailable or do not agree on the potential impact of this missense change (SIFT: "Deleterious"; PolyPhen-2: "Benign"; Align-GVGD: "Class C0"). ClinVar contains an entry for this variant (Variation ID: 239157). This missense change has been observed in individual(s) with primary melanoma (PMID: 16982779). This variant is present in population databases (rs377580634, gnomAD 0.002%). This sequence change replaces phenylalanine, which is neutral and non-polar, with valine, which is neutral and non-polar, at codon 195 of the MC1R protein (p.Phe195Val).

Fulgent Genetics
Classification: Uncertain significance for Tyrosinase-positive oculocutaneous albinism; SKIN/HAIR/EYE PIGMENTATION, VARIATION IN, 2; Increased analgesia from kappa-opioid receptor agonist, female-specific; Melanoma, cutaneous malignant, susceptibility to, 5. Last evaluated: 2018-10-31. Review status: criteria provided, single submitter. Criteria: ACMG Guidelines, 2015. Collection method: clinical testing. Allele origin: unknown.

Literature cited by the submitters: PubMed 16982779 (cited by Labcorp Genetics (formerly Invitae), Labcorp).